The following is an entry in ClinVar:

NM_001203.3(BMPR1B):c.1485dup (p.Glu496fs)

Gene: BMPR1B (bone morphogenetic protein receptor type 1B; plus strand). Cytogenetic location: 4q22.3.
Variant type: Duplication.
Coding change: c.1485dup on transcript NM_001203.3 (MANE Select); coding-DNA position 1485, one base duplicated (A; older notation c.1485dupA).
Protein change: p.Glu496fs; shifts the reading frame from glutamic acid 496.
Molecular consequence: frameshift variant.
Genome position (GRCh38, 1-based): chr4:95,154,649, A duplicated. VCF-style (leftmost placement, unchanged base first): chr4-95154648-C-CA. GRCh37 (hg19) VCF-style: chr4-96075799-C-CA.
Other names: c.1485dup, p.Glu496fs (NM_001256792.2, NM_001256794.1); c.1575dup, p.Glu526fs (NM_001256793.2); short protein forms E496fs, E526fs.
Identifiers: ClinVar variation 4785946 (VCV004785946.1).
Genomic context (GRCh38, chr4:95,154,648, plus strand): 5'-CTCACAATCCTGCATCAAGGCTGACAGCCCTGCGGGTTAAGAAAACACTTGCCAAAATGT[C>CA]AGAGTCCCAGGACATTAAACTCTGATAGGAGAGGAAAAGTAAGCATCTCTGCAGAAAGCC-3'

ClinVar aggregate classification (germline): Uncertain significance (1 of 4 stars; one submission).

Conditions:
Acromesomelic dysplasia 3 (AMD3). Also called: CHONDRODYSPLASIA, ACROMESOMELIC, WITH OR WITHOUT GENITAL ANOMALIES; Acromesomelic dysplasia, Demirhan type. Identifiers: MedGen C4225404, MONDO:0012274, OMIM 609441.
Type A2 brachydactyly (BDA2). Also called: BRACHYMESOPHALANGY II; MOHR-WRIEDT TYPE BRACHYDACTYLY; Brachymesophalangy type 2. Identifiers: Orphanet 93396, MedGen C1832702, MONDO:0007216, OMIM 112600, HP:0009372.

Submission:

Labcorp Genetics (formerly Invitae), Labcorp
Classification: Uncertain significance for Type A2 brachydactyly; Acromesomelic dysplasia 3. Last evaluated: 2025-08-24. Review status: criteria provided, single submitter. Criteria: Invitae Variant Classification Sherloc (09022015). Collection method: clinical testing. Allele origin: germline.
Comment: This sequence change creates a premature translational stop signal (p.Glu496Argfs*6) in the BMPR1B gene. While this is not anticipated to result in nonsense mediated decay, it is expected to disrupt the last 7 amino acid(s) of the BMPR1B protein. This variant is not present in population databases (gnomAD no frequency). This variant has not been reported in the literature in individuals affected with BMPR1B-related conditions. Experimental studies and prediction algorithms are not available or were not evaluated, and the functional significance of this variant is currently unknown. In summary, the available evidence is currently insufficient to determine the role of this variant in disease. Therefore, it has been classified as a Variant of Uncertain Significance.